The following is an entry in ClinVar:

NM_016343.4(CENPF):c.4332C>T (p.Ala1444=)

Gene: CENPF (centromere protein F; plus strand). Cytogenetic location: 1q41.
Variant type: single nucleotide variant.
Coding change: c.4332C>T on transcript NM_016343.4 (MANE Select); coding-DNA position 4332, C replaced by T.
Protein change: p.Ala1444=; no amino-acid change (alanine 1444 retained).
Molecular consequence: synonymous variant.
Genome position (GRCh38, 1-based): chr1:214,642,670, C>T. VCF-style: chr1-214642670-C-T. GRCh37 (hg19) VCF-style: chr1-214816013-C-T.
Other names: c.4332C>T (NM_016343.3).
Identifiers: ClinVar variation 4932608 (VCV004932608.2).

ClinVar aggregate classification (germline): Likely benign. Review status: criteria provided, multiple submitters, no conflicts (2 of 4 stars). 2 submissions from 2 submitters: Likely benign (2). Last evaluated 2025-02-07.

Conditions:
CENPF-related disorder. Also called: CENPF-related condition.

Submissions (2):

PreventionGenetics, part of Exact Sciences
Classification: Likely benign for CENPF-related condition. Last evaluated: 2025-02-07. Review status: criteria provided, single submitter. Criteria: ACMG Guidelines, 2015. Collection method: clinical testing. Allele origin: germline.
Comment: This variant is classified as likely benign based on ACMG/AMP sequence variant interpretation guidelines (Richards et al. 2015 PMID: 25741868, with internal and published modifications).

Blueprint Genetics
Classification: Likely benign. Last evaluated: 2024-10-21. Review status: criteria provided, single submitter. Criteria: ACMG Guidelines, 2015. Collection method: clinical testing. Allele origin: germline.